The following is an entry in ClinVar:

NM_000412.5(HRG):c.125G>T (p.Arg42Leu)

Gene: HRG (histidine rich glycoprotein; plus strand). Cytogenetic location: 3q27.3.
Variant type: single nucleotide variant.
Coding change: c.125G>T on transcript NM_000412.5 (MANE Select); coding-DNA position 125, G replaced by T.
Protein change: p.Arg42Leu; replaces arginine 42 with leucine.
Molecular consequence: missense variant.
Genome position (GRCh38, 1-based): chr3:186,666,156, G>T. VCF-style: chr3-186666156-G-T. GRCh37 (hg19) VCF-style: chr3-186383945-G-T.
Other names: short protein forms R42L.
Identifiers: ClinVar variation 3026343 (VCV003026343.22), dbSNP rs114895145, ClinGen allele CA355733393.

ClinVar aggregate classification (germline): Uncertain significance (1 of 4 stars; one submission).

gnomAD v4.1: 1 of 1,614,180 alleles (0.000062%); highest among the groups gnomAD compares: Non-Finnish European, 0.000085%; no homozygotes.

Submission:

CeGaT Center for Human Genetics Tuebingen
Classification: Uncertain significance. Last evaluated: 2023-12-01. Review status: criteria provided, single submitter. Criteria: CeGaT Center For Human Genetics Tuebingen Variant Classification Criteria Version 2. Collection method: clinical testing. Allele origin: germline. Affected: yes. Observed: 1 variant allele.
Comment: HRG: PM2, BP4